The following is an entry in ClinVar:

NM_032271.3(TRAF7):c.591C>T (p.Ser197=)

Gene: TRAF7 (TNF receptor associated factor 7; plus strand). Cytogenetic location: 16p13.3.
Variant type: single nucleotide variant.
Coding change: c.591C>T on transcript NM_032271.3 (MANE Select); coding-DNA position 591, C replaced by T.
Protein change: p.Ser197=; no amino-acid change (serine 197 retained).
Molecular consequence: synonymous variant.
Genome position (GRCh38, 1-based): chr16:2,172,306, C>T. VCF-style: chr16-2172306-C-T. GRCh37 (hg19) VCF-style: chr16-2222307-C-T.
Other names: NC_000016.9:g.2222307C>T; c.591C>T (NM_032271.2).
Identifiers: ClinVar variation 2498641 (VCV002498641.30), dbSNP rs35765267, ClinGen allele CA7834659.

ClinVar aggregate classification (germline): Likely benign. Review status: criteria provided, single submitter (1 of 4 stars). 2 submissions from 2 submitters: Likely benign (1). 1 of the submissions does not count toward it. Last evaluated 2025-09-01.

Conditions:
TRAF7-related disorder. Also called: TRAF7-related condition.

Allele frequency attached by ClinVar (database versions not stated): 1000 Genomes Project 0.00040; 1000 Genomes Project 30x 0.00062; ExAC 0.00142; gnomAD 0.00143; TOPMed 0.00147; ESP Exome Variant Server 0.00185; gnomAD exomes 0.00248.
gnomAD v4.1: 3,817 of 1,612,672 alleles (0.24%); highest among the groups gnomAD compares: Non-Finnish European, 0.3%; 9 homozygotes.

Submissions (4):

CeGaT Center for Human Genetics Tuebingen
Classification: Likely benign. Last evaluated: 2025-09-01. Review status: criteria provided, single submitter. Criteria: CeGaT Center For Human Genetics Tuebingen Variant Classification Criteria Version 2. Collection method: clinical testing. Allele origin: germline. Affected: yes. Observed: 9 variant alleles.
Comment: TRAF7: BP4, BP7

PreventionGenetics, part of Exact Sciences
Classification: Likely benign for TRAF7-related condition. Last evaluated: 2019-03-07. Review status: no assertion criteria provided. Collection method: clinical testing. Allele origin: germline. Not counted in ClinVar's aggregate classification.
Comment: This variant is classified as likely benign based on ACMG/AMP sequence variant interpretation guidelines (Richards et al. 2015 PMID: 25741868, with internal and published modifications).

Dr. Peter K. Rogan Lab, Western University
No classification provided (evidence only). Condition: Malignant tumor of urinary bladder. Review status: no classification provided. Collection method: in vitro. Allele origin: not applicable. Functional consequence: skipped exon, retained intron. Not counted in ClinVar's aggregate classification.

Dr. Peter K. Rogan Lab, Western University
No classification provided (evidence only). Condition: Malignant tumor of urinary bladder. Review status: no classification provided. Collection method: in vitro. Allele origin: not applicable. Functional consequence: skipped exon. Not counted in ClinVar's aggregate classification.